The following is an entry in ClinVar:

NM_152743.4(BRAT1):c.1301G>A (p.Gly434Glu)

Gene: BRAT1 (BRCA1 associated ATM activator 1; minus strand). Cytogenetic location: 7p22.3.
Variant type: single nucleotide variant.
Coding change: c.1301G>A on transcript NM_152743.4 (MANE Select); coding-DNA position 1301, G replaced by A.
Protein change: p.Gly434Glu; replaces glycine 434 with glutamic acid.
Molecular consequence: missense variant. On other transcripts: non-coding transcript variant (1).
Genome position (GRCh38, 1-based): chr7:2,541,318, C>T on the plus strand (G>A on the coding strand, the complement: BRAT1 is on the minus strand). VCF-style: chr7-2541318-C-T. GRCh37 (hg19) VCF-style: chr7-2580952-C-T.
Other names: c.1301G>A, p.Gly434Glu (NM_001350626.2); c.776G>A, p.Gly259Glu (NM_001350627.2); short protein forms G434E, G259E.
Identifiers: ClinVar variation 2154483 (VCV002154483.3), dbSNP rs769281162, ClinGen allele CA4127845.

ClinVar aggregate classification (germline): Uncertain significance (1 of 4 stars; one submission).

Conditions:
Neonatal-onset encephalopathy with rigidity and seizures. Also called: Lethal neonatal spasticity-epileptic encephalopathy syndrome. Identifiers: Orphanet 435845, MedGen C3281029, MONDO:0013784, OMIM 614498.

Allele frequency attached by ClinVar (database versions not stated): gnomAD 0.00001; TOPMed 0.00001; gnomAD exomes 0.00002; ExAC 0.00006.

Submission:

Labcorp Genetics (formerly Invitae), Labcorp
Classification: Uncertain significance for Neonatal-onset encephalopathy with rigidity and seizures. Last evaluated: 2022-04-11. Review status: criteria provided, single submitter. Criteria: Invitae Variant Classification Sherloc (09022015). Collection method: clinical testing. Allele origin: germline.
Comment: In summary, the available evidence is currently insufficient to determine the role of this variant in disease. Therefore, it has been classified as a Variant of Uncertain Significance. Algorithms developed to predict the effect of missense changes on protein structure and function are either unavailable or do not agree on the potential impact of this missense change (SIFT: "Deleterious"; PolyPhen-2: "Probably Damaging"; Align-GVGD: "Class C0"). This variant has not been reported in the literature in individuals affected with BRAT1-related conditions. This variant is present in population databases (rs769281162, gnomAD 0.03%). This sequence change replaces glycine, which is neutral and non-polar, with glutamic acid, which is acidic and polar, at codon 434 of the BRAT1 protein (p.Gly434Glu).